The following is an entry in ClinVar:

NM_203446.3(SYNJ1):c.*347A>T

Gene: SYNJ1 (synaptojanin 1; minus strand). Cytogenetic location: 21q22.11.
Variant type: single nucleotide variant.
Coding change: c.*347A>T on transcript NM_203446.3 (MANE Select); 347 bases downstream of the stop codon, A replaced by T.
Molecular consequence: 3 prime UTR variant. On other transcripts: missense variant (2).
Genome position (GRCh38, 1-based): chr21:32,631,458, T>A on the plus strand (A>T on the coding strand, the complement: SYNJ1 is on the minus strand). VCF-style: chr21-32631458-T-A. GRCh37 (hg19) VCF-style: chr21-34003768-T-A.
Other names: c.*347A>T (NM_001160302.2); c.4118A>T, p.Lys1373Met (NM_001160306.2); c.4376A>T, p.Lys1459Met (NM_003895.4); short protein forms K1373M, K1459M.
Identifiers: ClinVar variation 2103438 (VCV002103438.4), dbSNP rs1245095366, ClinGen allele CA410081822.

ClinVar aggregate classification (germline): Uncertain significance (1 of 4 stars; one submission).

Conditions:
Developmental and epileptic encephalopathy, 53. Also called: Epileptic encephalopathy, early infantile, 53. Identifiers: MedGen C4479313, MONDO:0033362, OMIM 617389.
Early-onset Parkinson disease 20. Also called: PARKINSON DISEASE 20, AUTOSOMAL RECESSIVE EARLY-ONSET. Identifiers: Orphanet 391411, MedGen C3809824, MONDO:0014233, OMIM 615530.

Submission:

Labcorp Genetics (formerly Invitae), Labcorp
Classification: Uncertain significance for Developmental and epileptic encephalopathy, 53; Early-onset Parkinson disease 20. Last evaluated: 2023-10-03. Review status: criteria provided, single submitter. Criteria: Invitae Variant Classification Sherloc (09022015). Collection method: clinical testing. Allele origin: germline.
Comment: This sequence change replaces lysine, which is basic and polar, with methionine, which is neutral and non-polar, at codon 1459 of the SYNJ1 protein (p.Lys1459Met). This variant is not present in population databases (gnomAD no frequency). This variant has not been reported in the literature in individuals affected with SYNJ1-related conditions. ClinVar contains an entry for this variant (Variation ID: 2103438). An algorithm developed to predict the effect of missense changes on protein structure and function (PolyPhen-2) suggests that this variant is likely to be tolerated. In summary, the available evidence is currently insufficient to determine the role of this variant in disease. Therefore, it has been classified as a Variant of Uncertain Significance.